The following is an entry in ClinVar:

ClinVar aggregate classification (germline): Uncertain significance (1 of 4 stars; one submission).

gnomAD v4.1: 1 of 1,614,060 alleles (0.000062%); no homozygotes.

Submission:

GeneDx
Classification: Uncertain significance. Last evaluated: 2023-02-03. Review status: criteria provided, single submitter. Criteria: GeneDx Variant Classification Process June 2021. Collection method: clinical testing. Allele origin: germline. Affected: yes.
Comment: Not observed at significant frequency in large population cohorts (gnomAD); In silico analysis supports that this missense variant has a deleterious effect on protein structure/function; Has not been previously published as pathogenic or benign to our knowledge

NM_001003694.2(BRPF1):c.298G>A (p.Glu100Lys)

Gene: BRPF1 (bromodomain and PHD finger containing 1; plus strand). Cytogenetic location: 3p25.3.
Variant type: single nucleotide variant.
Coding change: c.298G>A on transcript NM_001003694.2 (MANE Select); coding-DNA position 298, G replaced by A.
Protein change: p.Glu100Lys; replaces glutamic acid 100 with lysine.
Molecular consequence: missense variant. On other transcripts: non-coding transcript variant (1).
Genome position (GRCh38, 1-based): chr3:9,734,438, G>A. VCF-style: chr3-9734438-G-A. GRCh37 (hg19) VCF-style: chr3-9776122-G-A.
Other names: c.298G>A, p.Glu100Lys (NM_001319049.2, NM_001319050.2, NM_001410704.1 and 1 more transcripts); short protein forms E100K.
Identifiers: ClinVar variation 2574871 (VCV002574871.1), dbSNP rs2076906225, ClinGen allele CA351679790.